The following is an entry in ClinVar:

NM_022489.4(INF2):c.3287C>G (p.Pro1096Arg)

Gene: INF2 (inverted formin 2; plus strand). Cytogenetic location: 14q32.33.
Variant type: single nucleotide variant.
Coding change: c.3287C>G on transcript NM_022489.4 (MANE Select); coding-DNA position 3287, C replaced by G.
Protein change: p.Pro1096Arg; replaces proline 1096 with arginine.
Molecular consequence: missense variant. On other transcripts: non-coding transcript variant (1).
Genome position (GRCh38, 1-based): chr14:104,714,449, C>G. VCF-style: chr14-104714449-C-G. GRCh37 (hg19) VCF-style: chr14-105180786-C-G.
Other names: c.3287C>G, p.Pro1096Arg (NM_001031714.4, NM_001426862.1, NM_001426863.1 and 2 more transcripts); short protein forms P1096R.
Identifiers: ClinVar variation 3763744 (VCV003763744.2).

ClinVar aggregate classification (germline): Uncertain significance (1 of 4 stars; one submission).

Conditions:
Focal segmental glomerulosclerosis 5 (FSGS5). Identifiers: Orphanet 656, MedGen C2750475, MONDO:0013191, OMIM 613237.
Charcot-Marie-Tooth disease dominant intermediate E. Also called: CHARCOT-MARIE-TOOTH NEUROPATHY WITH FOCAL SEGMENTAL GLOMERULONEPHRITIS. Identifiers: Orphanet 93114, MedGen C4302667, MONDO:0013758, OMIM 614455.

Submission:

Labcorp Genetics (formerly Invitae), Labcorp
Classification: Uncertain significance for Charcot-Marie-Tooth disease dominant intermediate E; Focal segmental glomerulosclerosis 5. Last evaluated: 2024-11-13. Review status: criteria provided, single submitter. Criteria: Invitae Variant Classification Sherloc (09022015). Collection method: clinical testing. Allele origin: germline.
Comment: This sequence change replaces proline, which is neutral and non-polar, with arginine, which is basic and polar, at codon 1096 of the INF2 protein (p.Pro1096Arg). This variant is not present in population databases (gnomAD no frequency). This variant has not been reported in the literature in individuals affected with INF2-related conditions. Invitae Evidence Modeling of protein sequence and biophysical properties (such as structural, functional, and spatial information, amino acid conservation, physicochemical variation, residue mobility, and thermodynamic stability) indicates that this missense variant is not expected to disrupt INF2 protein function with a negative predictive value of 95%. In summary, the available evidence is currently insufficient to determine the role of this variant in disease. Therefore, it has been classified as a Variant of Uncertain Significance.